The following is an entry in ClinVar:

NM_001276345.2(TNNT2):c.-14-260T>C

Gene: TNNT2 (troponin T2, cardiac type; minus strand). Cytogenetic location: 1q32.1.
Variant type: single nucleotide variant.
Coding change: c.-14-260T>C on transcript NM_001276345.2 (MANE Select); 260 bases into the intron before 14 bases upstream of the start codon, T replaced by C.
Molecular consequence: intron variant.
Genome position (GRCh38, 1-based): chr1:201,373,528, A>G on the plus strand (T>C on the coding strand, the complement: TNNT2 is on the minus strand). VCF-style: chr1-201373528-A-G. GRCh37 (hg19) VCF-style: chr1-201342656-A-G.
Other names: c.-14-260T>C (NM_001001432.3, NM_001001431.3, NM_001001430.3 and 2 more transcripts); c.-147-127T>C (NM_001276347.2).
Identifiers: ClinVar variation 668764 (VCV000668764.2), dbSNP rs12568262, ClinGen allele CA35432945.

ClinVar aggregate classification (germline): Benign. Review status: criteria provided, multiple submitters, no conflicts (2 of 4 stars). 2 submissions from 2 submitters: Benign (2). Last evaluated 2018-06-19.

Allele frequency attached by ClinVar (database versions not stated): gnomAD exomes 0.04433; TOPMed 0.07805; gnomAD 0.07829 and 0.07928; 1000 Genomes Project 0.11202; 1000 Genomes Project 30x 0.11446.
gnomAD v4.1: 28,877 of 534,456 alleles (5.4%); highest among the groups gnomAD compares: African/African-American, 20%; 1,868 homozygotes.

Submissions (2):

GeneDx
Classification: Benign. Last evaluated: 2018-06-19. Review status: criteria provided, single submitter. Criteria: GeneDx Variant Classification (06012015). Collection method: clinical testing. Allele origin: germline. Affected: yes.
Comment: This variant is considered likely benign or benign based on one or more of the following criteria: it is a conservative change, it occurs at a poorly conserved position in the protein, it is predicted to be benign by multiple in silico algorithms, and/or has population frequency not consistent with disease.

Breakthrough Genomics
Classification: Benign. Review status: criteria provided, single submitter. Criteria: ACMG Guidelines, 2015. Collection method: not provided. Allele origin: germline. Inheritance: Autosomal dominant inheritance. Affected: yes.